The following is an entry in ClinVar:

ClinVar aggregate classification (germline): Likely benign. Review status: criteria provided, multiple submitters, no conflicts (2 of 4 stars). 3 submissions from 3 submitters: Likely benign (3). Last evaluated 2026-06-15.

Conditions:
P2RY12-related disorder. Also called: P2RY12-related condition.

Allele frequency attached by ClinVar (database versions not stated): 1000 Genomes Project 0.00060; 1000 Genomes Project 30x 0.00062; ESP Exome Variant Server 0.00115; ExAC 0.00128.
gnomAD v4.1: 2,099 of 1,613,918 alleles (0.13%); highest among the groups gnomAD compares: Non-Finnish European, 0.14%; 5 homozygotes.

Submissions (3):

PreventionGenetics, part of Exact Sciences
Classification: Likely benign for P2RY12-related condition. Last evaluated: 2026-06-15. Review status: criteria provided, single submitter. Criteria: ACMG Guidelines, 2015. Collection method: clinical testing. Allele origin: germline.
Comment: This variant is classified as likely benign based on ACMG/AMP sequence variant interpretation guidelines (Richards et al. 2015 PMID: 25741868, with internal and published modifications).

CeGaT Center for Human Genetics Tuebingen
Classification: Likely benign. Last evaluated: 2025-12-01. Review status: criteria provided, single submitter. Criteria: CeGaT Center For Human Genetics Tuebingen Variant Classification Criteria Version 2. Collection method: clinical testing. Allele origin: germline. Affected: yes. Observed: 2 variant alleles.
Comment: MED12L: BP4, BP7

Blueprint Genetics
Classification: Likely benign. Last evaluated: 2024-11-26. Review status: criteria provided, single submitter. Criteria: ACMG Guidelines, 2015. Collection method: clinical testing. Allele origin: germline.

NM_022788.5(P2RY12):c.-180+12004G>A

Genes: MED12L (mediator complex subunit 12L; plus strand), P2RY12 (purinergic receptor P2Y12; minus strand). Cytogenetic location: 3q25.1.
Variant type: single nucleotide variant.
Coding change: c.-180+12004G>A on transcript NM_022788.5 (MANE Select); 12004 bases into the intron after 180 bases upstream of the start codon, G replaced by A.
Molecular consequence: intron variant. On other transcripts: synonymous variant (2).
Genome position (GRCh38, 1-based): chr3:151,372,688, C>T on the plus strand (G>A on the coding strand, the complement: P2RY12 is on the minus strand). VCF-style: chr3-151372688-C-T. GRCh37 (hg19) VCF-style: chr3-151090476-C-T.
Other names: c.3786C>T, p.Ser1262= (NM_001393769.1); c.3681C>T, p.Ser1227= (NM_053002.6); c.-180+12004G>A (NM_022788.4).
Identifiers: ClinVar variation 2654234 (VCV002654234.26), dbSNP rs147695554, ClinGen allele CA2668361.